The following is an entry in ClinVar:

ClinVar aggregate classification (germline): Likely pathogenic (1 of 4 stars; one submission).

Conditions:
PEPD-related disorder. Also called: PEPD-related condition.

Submission:

PreventionGenetics, part of Exact Sciences
Classification: Likely pathogenic for PEPD-related condition. Last evaluated: 2026-08-17. Review status: criteria provided, single submitter. Criteria: ACMG Guidelines, 2015. Collection method: clinical testing. Allele origin: germline.
Comment: The PEPD c.202-1G>T variant is predicted to disrupt the AG splice acceptor site and interfere with normal splicing. To our knowledge, this variant has not been reported in the literature or in a large population database (gnomAD), indicating this variant is rare. Of note, another variant impacting the same splice site (c.202-2A>T) has been reported in the homozygous state in two siblings with prolidase deficiency and RT-PCR analysis showed the skipping of exon 3 (Besio et al. 2015. PubMed ID: 25460580). Variants that disrupt the consensus splice acceptor site in PEPD are expected to be pathogenic. Taken together, the c.202-1G>T variant is interpreted as likely pathogenic.

NM_000285.4(PEPD):c.202-1G>T

Gene: PEPD (peptidase D; minus strand). Cytogenetic location: 19q13.11.
Variant type: single nucleotide variant.
Coding change: c.202-1G>T on transcript NM_000285.4 (MANE Select); the canonical splice acceptor site of the intron before coding-DNA position 202, G replaced by T.
Molecular consequence: splice acceptor variant. On other transcripts: intron variant (1).
Genome position (GRCh38, 1-based): chr19:33,511,156, C>A on the plus strand (G>T on the coding strand, the complement: PEPD is on the minus strand). VCF-style: chr19-33511156-C-A. GRCh37 (hg19) VCF-style: chr19-34002062-C-A.
Other names: c.201+1437G>T (NM_001166057.2); c.202-1G>T (NM_001166056.2).
Identifiers: ClinVar variation 4995434 (VCV004995434.1).